The following is an entry in ClinVar:

NM_001243133.2(NLRP3):c.74T>G (p.Met25Arg)

Gene: NLRP3 (NLR family pyrin domain containing 3; plus strand). Cytogenetic location: 1q44.
Variant type: single nucleotide variant.
Coding change: c.74T>G on transcript NM_001243133.2 (MANE Select); coding-DNA position 74, T replaced by G.
Protein change: p.Met25Arg; replaces methionine 25 with arginine.
Molecular consequence: missense variant.
Genome position (GRCh38, 1-based): chr1:247,418,874, T>G. VCF-style: chr1-247418874-T-G. GRCh37 (hg19) VCF-style: chr1-247582176-T-G.
Other names: c.74T>G, p.Met25Arg (NM_001079821.3, NM_001127461.3, NM_001127462.3 and 1 more transcripts); c.80T>G, p.Met27Arg (NM_004895.5); short protein forms M25R, M27R.
Identifiers: ClinVar variation 3633863 (VCV003633863.2).
Genomic context (GRCh38, chr1:247,418,874, plus strand): 5'-GCTGCAAGCTGGCCAGGTACCTGGAGGACCTGGAGGATGTGGACTTGAAGAAATTTAAGA[T>G]GCACTTAGAGGACTATCCTCCCCAGAAGGGCTGCATCCCCCTCCCGAGGGGTCAGACAGA-3'
Protein context (NP_001230062.1, residues 15-35): LEDVDLKKFK[Met25Arg]HLEDYPPQKG

ClinVar aggregate classification (germline): Uncertain significance (1 of 4 stars; one submission).

Conditions:
Cryopyrin associated periodic syndrome (CAPS). Identifiers: Orphanet 208650, MedGen C2316212, MONDO:0016168.

Submission:

Labcorp Genetics (formerly Invitae), Labcorp
Classification: Uncertain significance for Cryopyrin associated periodic syndrome. Last evaluated: 2024-09-09. Review status: criteria provided, single submitter. Criteria: Invitae Variant Classification Sherloc (09022015). Collection method: clinical testing. Allele origin: germline.
Comment: This sequence change replaces methionine, which is neutral and non-polar, with arginine, which is basic and polar, at codon 27 of the NLRP3 protein (p.Met27Arg). This variant is not present in population databases (gnomAD no frequency). This variant has not been reported in the literature in individuals affected with NLRP3-related conditions. Invitae Evidence Modeling of protein sequence and biophysical properties (such as structural, functional, and spatial information, amino acid conservation, physicochemical variation, residue mobility, and thermodynamic stability) has been performed for this missense variant. However, the output from this modeling did not meet the statistical confidence thresholds required to predict the impact of this variant on NLRP3 protein function. In summary, the available evidence is currently insufficient to determine the role of this variant in disease. Therefore, it has been classified as a Variant of Uncertain Significance.